The following is an entry in ClinVar:

ClinVar aggregate classification (germline): Pathogenic (1 of 4 stars; one submission).

Conditions:
Hereditary cancer-predisposing syndrome. Also called: Hereditary Cancer Syndrome; Hereditary neoplastic syndrome; Neoplastic Syndromes, Hereditary; Tumor predisposition. Identifiers: Orphanet 140162, MedGen C0027672, MeSH D009386, MONDO:0015356.

Submission:

Ambry Genetics
Classification: Pathogenic for Hereditary cancer-predisposing syndrome. Last evaluated: 2025-08-15. Review status: criteria provided, single submitter. Criteria: Ambry Variant Classification Scheme 2023. Collection method: clinical testing. Allele origin: germline.
Comment: The c.8452_8459delGTTGATGT pathogenic mutation, located in coding exon 18 of the BRCA2 gene, results from a deletion of 8 nucleotides at nucleotide positions 8452 to 8459, causing a translational frameshift with a predicted alternate stop codon (p.V2818Nfs*24). This variant is considered to be rare based on population cohorts in the Genome Aggregation Database (gnomAD). This alteration is expected to result in loss of function by premature protein truncation or nonsense-mediated mRNA decay. As such, this alteration is interpreted as a disease-causing mutation.

NM_000059.4(BRCA2):c.8452_8459del (p.Val2818fs)

Gene: BRCA2 (BRCA2 DNA repair associated; plus strand). Cytogenetic location: 13q13.1.
Variant type: Deletion.
Coding change: c.8452_8459del on transcript NM_000059.4 (MANE Select); coding-DNA positions 8452 to 8459, 8 bases deleted (GTTGATGT; older notation c.8452_8459delGTTGATGT).
Protein change: p.Val2818fs; shifts the reading frame from valine 2818.
Molecular consequence: frameshift variant. On other transcripts: non-coding transcript variant (1).
Genome position (GRCh38, 1-based): chr13:32,370,522-32,370,529, GTTGATGT deleted; deleting any 8 consecutive bases within chr13:32,370,519-32,370,529 gives the same sequence; the c. name uses the placement nearest the transcript's 3' end. VCF-style (leftmost placement, unchanged base first): chr13-32370518-TTGTGTTGA-T. GRCh37 (hg19) VCF-style: chr13-32944655-TTGTGTTGA-T.
Other names: c.8356_8363del, p.Val2786fs (NM_001406719.1); c.8452_8459del, p.Val2818fs (NM_001406720.1, NM_001432077.1); c.3520_3527del, p.Val1174fs (NM_001406721.1); c.2035_2042del, p.Val679fs (NM_001406722.1); short protein forms V2786fs, V1174fs, V2818fs, V679fs.
Identifiers: ClinVar variation 4215913 (VCV004215913.1).